The following is an entry in ClinVar:

NM_001270974.2(HYDIN):c.7878_7947del (p.Leu2627fs)

Gene: HYDIN (HYDIN axonemal central pair apparatus protein; minus strand). Cytogenetic location: 16q22.2.
Variant type: Deletion.
Coding change: c.7878_7947del on transcript NM_001270974.2 (MANE Select); coding-DNA positions 7878 to 7947, 70 bases deleted.
Protein change: p.Leu2627fs; shifts the reading frame from leucine 2627.
Molecular consequence: frameshift variant.
Genome position (GRCh38, 1-based): chr16:70,918,268-70,918,337, 70 bases deleted. GRCh37 (hg19): chr16:70,952,171-70,952,240.
Other names: short protein forms L2627fs.
Identifiers: ClinVar variation 4846814 (VCV004846814.1).

ClinVar aggregate classification (germline): Likely pathogenic (1 of 4 stars; one submission).

Conditions:
Primary ciliary dyskinesia 5. Also called: CILIARY DYSKINESIA, PRIMARY, 5, WITHOUT SITUS INVERSUS. Identifiers: Orphanet 244, MedGen C1837615, MONDO:0012088, OMIM 608647.

Submission:

Laboratorio de Genetica e Diagnostico Molecular, Hospital Israelita Albert Einstein
Classification: Likely pathogenic for Primary ciliary dyskinesia 5. Last evaluated: 2025-07-04. Review status: criteria provided, single submitter. Criteria: ACMG Guidelines, 2015. Collection method: clinical testing. Allele origin: germline. Affected: yes.
Comment: ACMG classification criteria: PVS1 very strong, PM2 supporting